The following is an entry in ClinVar:

ClinVar aggregate classification (germline): Pathogenic. Review status: criteria provided, single submitter (1 of 4 stars). 2 submissions from 2 submitters: Pathogenic (1). 1 of the submissions does not count toward it. Last evaluated 2019-11-26.

Conditions:
Steinert myotonic dystrophy syndrome (DM1). Also called: STEINERT DISEASE; Myotonic dystrophy type 1; Dystrophia myotonica type 1; Steinert myotonic dystrophy; Steinert's disease. Identifiers: Orphanet 273, MedGen C3250443, MONDO:0008056, OMIM 160900.

Submissions (2):

Neuromuscular Research, Maastricht University Medical Centre
Classification: Pathogenic for Steinert myotonic dystrophy syndrome. Last evaluated: 2019-11-26. Review status: criteria provided, single submitter. Criteria: Best practice guidelines on molecular diagnosis DM1 and DM2, Kamsteeg et al. 2012. Collection method: clinical testing. Allele origin: maternal. Affected: yes.

Institute of Molecular, Cell and Systems Biology, University of Glasgow
Classification: Pathogenic for Steinert myotonic dystrophy syndrome. Review status: no assertion criteria provided. Criteria: research. Collection method: research. Allele origin: germline. Inheritance: Autosomal dominant inheritance. Affected: yes. Observed: 1 heterozygote. Not counted in ClinVar's aggregate classification.
Comment: DMPK CTG repeat expansions greater than approximately 45-50 repeats are assumed to be pathogenic

This record is based on data published in PubMed 25052313, which reports only ClinVar accessions SCV000120188 and SCV000120189. The complete data set includes SCV000207445 - SCV000207579.

Literature cited by the submitters: PubMed 32203199 (cited by Neuromuscular Research, Maastricht University Medical Centre); PubMed 1346923 (cited by Institute of Molecular, Cell and Systems Biology, University of Glasgow); PubMed 1546326 (cited by Institute of Molecular, Cell and Systems Biology, University of Glasgow); PubMed 25052313 (cited by Institute of Molecular, Cell and Systems Biology, University of Glasgow).

NM_004409.5(DMPK):c.*224CTG[255]

Genes: DM1-AS (DM1 locus antisense RNA; plus strand), DMPK (DM1 protein kinase; minus strand), LOC107075317 (origin of replication in DMPK trinucleotide repeat region; plus strand), LOC109461477 (dystrophia myotonica protein kinase repeat instability region; plus strand). Cytogenetic location: 19q13.32.
Variant type: Microsatellite.
Coding change: c.*224CTG[255] on transcript NM_004409.5 (MANE Select); 255 copies in a row of the 3-base unit CTG starting at c.*224.
Molecular consequence: 3 prime UTR variant.
Genome position: GRCh38, VCF-style position (the base before the change): chr19:45,770,204. GRCh37 (hg19), VCF-style position (the base before the change): chr19:46,273,462.
Other names: DM1 CTG repeat expansion; c.*222_*224TGC[255] (NM_001081563.3); c.*224CTG[255] (NM_001288764.2, NM_001424165.1, NM_001424169.1 and 1 more transcripts); c.*217CTG[255] (NM_001288765.2, NM_001424162.1, NM_001424163.1 and 2 more transcripts); c.*369CTG[255] (NM_001288766.2, NM_001424164.1, NM_001424168.1).
Identifiers: ClinVar variation 187946 (VCV000187946.3), ClinGen allele CA915951744.